The following is an entry in ClinVar:

ClinVar aggregate classification (germline): Likely benign. Review status: criteria provided, multiple submitters, no conflicts (2 of 4 stars). 3 submissions from 3 submitters: Likely benign (2). 1 of the submissions does not count toward it. Last evaluated 2026-01-01.

Conditions:
RERE-related disorder. Also called: RERE-Related Disorders; RERE-related condition. Identifiers: MedGen CN381537.

Allele frequency attached by ClinVar (database versions not stated): 1000 Genomes Project 0.00060; 1000 Genomes Project 30x 0.00062; TOPMed 0.00145; gnomAD 0.00161; gnomAD exomes 0.00210; ESP Exome Variant Server 0.00268; ExAC 0.00378.
gnomAD v4.1: 2,934 of 1,443,450 alleles (0.2%); highest among the groups gnomAD compares: Non-Finnish European, 0.24%; 3 homozygotes.

Submissions (3):

CeGaT Center for Human Genetics Tuebingen
Classification: Likely benign. Last evaluated: 2026-01-01. Review status: criteria provided, single submitter. Criteria: CeGaT Center For Human Genetics Tuebingen Variant Classification Criteria Version 2. Collection method: clinical testing. Allele origin: germline. Affected: yes. Observed: 9 variant alleles.
Comment: RERE: BP4, BP7

Blueprint Genetics
Classification: Likely benign. Last evaluated: 2024-10-21. Review status: criteria provided, single submitter. Criteria: ACMG Guidelines, 2015. Collection method: clinical testing. Allele origin: germline.

PreventionGenetics, part of Exact Sciences
Classification: Benign for RERE-related condition. Last evaluated: 2019-03-15. Review status: no assertion criteria provided. Collection method: clinical testing. Allele origin: germline. Not counted in ClinVar's aggregate classification.
Comment: This variant is classified as benign based on ACMG/AMP sequence variant interpretation guidelines (Richards et al. 2015 PMID: 25741868, with internal and published modifications).

NM_001042681.2(RERE):c.2379G>A (p.Ala793=)

Gene: RERE (arginine-glutamic acid dipeptide repeats; minus strand). Cytogenetic location: 1p36.23.
Variant type: single nucleotide variant.
Coding change: c.2379G>A on transcript NM_001042681.2 (MANE Select); coding-DNA position 2379, G replaced by A.
Protein change: p.Ala793=; no amino-acid change (alanine 793 retained).
Molecular consequence: synonymous variant.
Genome position (GRCh38, 1-based): chr1:8,361,128, C>T on the plus strand (G>A on the coding strand, the complement: RERE is on the minus strand). VCF-style: chr1-8361128-C-T. GRCh37 (hg19) VCF-style: chr1-8421188-C-T.
Other names: c.717G>A, p.Ala239= (NM_001042682.2); c.2379G>A, p.Ala793= (NM_012102.4); c.2379G>A (NM_012102.3).
Identifiers: ClinVar variation 2638171 (VCV002638171.26), dbSNP rs368307554, ClinGen allele CA571371.
Genomic context (GRCh38, chr1:8,361,128, plus strand): 5'-TGAGGGCGGCCGCTGGGGGTGCAAGGCCGGTGCCTGTTGGATGTGGGTGTGGGGAACAGG[C>T]GCTGTGGGAGCCTGTGGCTGGTTAGGGGCCTGGGAGGCCGTGGGGGAGCCCTGTGGGGGA-3'
Protein context (NP_001036146.1, residues 783-803): QAPNQPQAPT[Ala793=]PVPHTHIQQA